The following is an entry in ClinVar:

NM_002354.3(EPCAM):c.653A>C (p.Lys218Thr)

Gene: EPCAM (epithelial cell adhesion molecule; plus strand). Cytogenetic location: 2p21.
Variant type: single nucleotide variant.
Coding change: c.653A>C on transcript NM_002354.3 (MANE Select); coding-DNA position 653, A replaced by C.
Protein change: p.Lys218Thr; replaces lysine 218 with threonine.
Molecular consequence: missense variant.
Genome position (GRCh38, 1-based): chr2:47,379,050, A>C. VCF-style: chr2-47379050-A-C. GRCh37 (hg19) VCF-style: chr2-47606189-A-C.
Other names: short protein forms K218T.
Identifiers: ClinVar variation 3222128 (VCV003222128.1), dbSNP rs754293486, ClinGen allele CA346724296.

ClinVar aggregate classification (germline): Uncertain significance (1 of 4 stars; one submission).

Conditions:
Hereditary cancer-predisposing syndrome. Also called: Tumor predisposition; Hereditary neoplastic syndrome; Hereditary Cancer Syndrome; Neoplastic Syndromes, Hereditary. Identifiers: Orphanet 140162, MedGen C0027672, MeSH D009386, MONDO:0015356.

Allele frequency attached by ClinVar (database versions not stated): TOPMed 0.00001.

Submission:

Ambry Genetics
Classification: Uncertain significance for Hereditary cancer-predisposing syndrome. Last evaluated: 2023-11-16. Review status: criteria provided, single submitter. Criteria: Ambry Variant Classification Scheme 2023. Collection method: clinical testing. Allele origin: germline.
Comment: The p.K218T variant (also known as c.653A>C), located in coding exon 6 of the EPCAM gene, results from an A to C substitution at nucleotide position 653. The lysine at codon 218 is replaced by threonine, an amino acid with similar properties. This amino acid position is conserved. In addition, the in silico prediction for this alteration is inconclusive. Since supporting evidence is limited at this time, the clinical significance of this alteration remains unclear.